The following is an entry in ClinVar:

NM_130837.3(OPA1):c.1149+1G>A

Gene: OPA1 (OPA1 mitochondrial dynamin like GTPase; plus strand). Cytogenetic location: 3q29.
Variant type: single nucleotide variant.
Coding change: c.1149+1G>A on transcript NM_130837.3 (MANE Select); the canonical splice donor site of the intron after coding-DNA position 1149, G replaced by A.
Molecular consequence: splice donor variant.
Genome position (GRCh38, 1-based): chr3:193,638,066, G>A. VCF-style: chr3-193638066-G-A. GRCh37 (hg19) VCF-style: chr3-193355855-G-A.
Other names: c.612+1G>A (NM_001354664.2); c.615+1G>A (NM_001354663.2); c.1038+1G>A (NM_130834.3); c.1095+1G>A (NM_130836.3); c.984+1G>A (NM_015560.3); c.1041+1G>A (NM_130835.3); c.930+1G>A (NM_130832.3); c.987+1G>A (NM_130833.3); and 1 more.
Identifiers: ClinVar variation 4763780 (VCV004763780.2).

ClinVar aggregate classification (germline): Pathogenic. Review status: criteria provided, multiple submitters, no conflicts (2 of 4 stars). 2 submissions from 2 submitters: Pathogenic (2). Last evaluated 2025-08-16.

Conditions:
OPA1-related disorder. Also called: OPA1-related disorders; OPA1-related condition.

Submissions (2):

Labcorp Genetics (formerly Invitae), Labcorp
Classification: Pathogenic. Last evaluated: 2025-08-16. Review status: criteria provided, single submitter. Criteria: Invitae Variant Classification Sherloc (09022015). Collection method: clinical testing. Allele origin: germline.
Comment: This sequence change affects a donor splice site in intron 9 of the OPA1 gene. It is expected to disrupt RNA splicing. Variants that disrupt the donor or acceptor splice site typically lead to a loss of protein function (PMID: 16199547), and loss-of-function variants in OPA1 are known to be pathogenic (PMID: 11440988, 20157015, 20952381, 25012220). This variant is not present in population databases (gnomAD no frequency). Disruption of this splice site has been observed in individuals with optic atrophy (PMID: 34242285; internal data). Algorithms developed to predict the effect of sequence changes on RNA splicing suggest that this variant may disrupt the consensus splice site. For these reasons, this variant has been classified as Pathogenic.

Blueprint Genetics
Classification: Pathogenic for OPA1-related disorders. Last evaluated: 2019-12-19. Review status: criteria provided, single submitter. Criteria: ACMG Guidelines, 2015. Collection method: clinical testing. Allele origin: germline. Affected: yes. Observed: 3 variant alleles.

Literature cited by the submitters: PubMed 16199547 (cited by Labcorp Genetics (formerly Invitae), Labcorp); PubMed 11440988 (cited by Labcorp Genetics (formerly Invitae), Labcorp); PubMed 20157015 (cited by Labcorp Genetics (formerly Invitae), Labcorp); PubMed 20952381 (cited by Labcorp Genetics (formerly Invitae), Labcorp); PubMed 25012220 (cited by Labcorp Genetics (formerly Invitae), Labcorp); PubMed 34242285 (cited by Labcorp Genetics (formerly Invitae), Labcorp).